The following is an entry in ClinVar:

NM_024408.4(NOTCH2):c.6356T>C (p.Leu2119Pro)

Gene: NOTCH2 (notch receptor 2; minus strand). Cytogenetic location: 1p12.
Variant type: single nucleotide variant.
Coding change: c.6356T>C on transcript NM_024408.4 (MANE Select); coding-DNA position 6356, T replaced by C.
Protein change: p.Leu2119Pro; replaces leucine 2119 with proline.
Molecular consequence: missense variant.
Genome position (GRCh38, 1-based): chr1:119,916,366, A>G on the plus strand (T>C on the coding strand, the complement: NOTCH2 is on the minus strand). VCF-style: chr1-119916366-A-G. GRCh37 (hg19) VCF-style: chr1-120458989-A-G.
Other names: short protein forms L2119P.
Identifiers: ClinVar variation 2727244 (VCV002727244.3), dbSNP rs2526107562, ClinGen allele CA341878530.
Genomic context (GRCh38, chr1:119,916,366, plus strand): 5'-ACCTTCTCACTCAGAGACTTCTTCCTCCTACTACCCTTGGCATCCTTTGCCTCCTTGGCA[A>G]GGTTAGGGAGGCTAGTAGGCATGGTACTCTTGGCACTGGGCCGTCTAGACTTCTTGCCCA-3'
Protein context (NP_077719.2, residues 2109-2129): KSTMPTSLPN[Leu2119Pro]AKEAKDAKGS

ClinVar aggregate classification (germline): Uncertain significance (1 of 4 stars; one submission).

Conditions:
Hajdu-Cheney syndrome (HJCYS). Also called: SERPENTINE FIBULA-POLYCYSTIC KIDNEY SYNDROME; Acroosteolysis dominant type; ACROOSTEOLYSIS WITH OSTEOPOROSIS AND CHANGES IN SKULL AND MANDIBLE. Identifiers: Orphanet 955, MedGen C0917715, MONDO:0007057, OMIM 102500.

Submission:

Labcorp Genetics (formerly Invitae), Labcorp
Classification: Uncertain significance for Hajdu-Cheney syndrome. Last evaluated: 2023-06-24. Review status: criteria provided, single submitter. Criteria: Invitae Variant Classification Sherloc (09022015). Collection method: clinical testing. Allele origin: germline.
Comment: In summary, the available evidence is currently insufficient to determine the role of this variant in disease. Therefore, it has been classified as a Variant of Uncertain Significance. Advanced modeling of protein sequence and biophysical properties (such as structural, functional, and spatial information, amino acid conservation, physicochemical variation, residue mobility, and thermodynamic stability) performed at Invitae indicates that this missense variant is not expected to disrupt NOTCH2 protein function. This variant has not been reported in the literature in individuals affected with NOTCH2-related conditions. This variant is not present in population databases (gnomAD no frequency). This sequence change replaces leucine, which is neutral and non-polar, with proline, which is neutral and non-polar, at codon 2119 of the NOTCH2 protein (p.Leu2119Pro).